The following is an entry in ClinVar:

ClinVar aggregate classification (germline): Uncertain significance (1 of 4 stars; one submission).

gnomAD v4.1: 2 of 1,612,728 alleles (0.00012%); highest among the groups gnomAD compares: South Asian, 0.0011%; no homozygotes.

Submission:

Labcorp Genetics (formerly Invitae), Labcorp
Classification: Uncertain significance. Last evaluated: 2024-01-01. Review status: criteria provided, single submitter. Criteria: Invitae Variant Classification Sherloc (09022015). Collection method: clinical testing. Allele origin: germline.
Comment: This sequence change replaces histidine, which is basic and polar, with leucine, which is neutral and non-polar, at codon 481 of the C2 protein (p.His481Leu). This variant is not present in population databases (gnomAD no frequency). This variant has not been reported in the literature in individuals affected with C2-related conditions. Advanced modeling of protein sequence and biophysical properties (such as structural, functional, and spatial information, amino acid conservation, physicochemical variation, residue mobility, and thermodynamic stability) performed at Invitae indicates that this missense variant is not expected to disrupt C2 protein function with a negative predictive value of 80%. In summary, the available evidence is currently insufficient to determine the role of this variant in disease. Therefore, it has been classified as a Variant of Uncertain Significance.

NM_000063.6(C2):c.1442A>T (p.His481Leu)

Gene: C2 (complement C2; plus strand). Cytogenetic location: 6p21.33.
Variant type: single nucleotide variant.
Coding change: c.1442A>T on transcript NM_000063.6 (MANE Select); coding-DNA position 1442, A replaced by T.
Protein change: p.His481Leu; replaces histidine 481 with leucine.
Molecular consequence: missense variant.
Genome position (GRCh38, 1-based): chr6:31,943,306, A>T. VCF-style: chr6-31943306-A-T. GRCh37 (hg19) VCF-style: chr6-31911083-A-T.
Other names: c.1046A>T, p.His349Leu (NM_001145903.3); c.800A>T, p.His267Leu (NM_001178063.3); c.704A>T, p.His235Leu (NM_001282457.2); c.1355A>T, p.His452Leu (NM_001282458.2); short protein forms H267L, H235L, H481L, H349L, H452L.
Identifiers: ClinVar variation 2693264 (VCV002693264.3), dbSNP rs1771044672, ClinGen allele CA363376995.